The following is an entry in ClinVar:

NM_005188.4(CBL):c.869+4A>G

Gene: CBL (Cbl proto-oncogene; plus strand). Cytogenetic location: 11q23.3.
Variant type: single nucleotide variant.
Coding change: c.869+4A>G on transcript NM_005188.4 (MANE Select); 4 bases into the intron after coding-DNA position 869, A replaced by G.
Molecular consequence: intron variant.
Genome position (GRCh38, 1-based): chr11:119,274,957, A>G. VCF-style: chr11-119274957-A-G. GRCh37 (hg19) VCF-style: chr11-119145667-A-G.
Other names: p.?.
Identifiers: ClinVar variation 45211 (VCV000045211.38), dbSNP rs77284821, ClinGen allele CA135746.

ClinVar aggregate classification (germline): Benign. Review status: criteria provided, multiple submitters, no conflicts (2 of 4 stars). 15 submissions from 15 submitters: Benign (13). 2 of the submissions do not count toward it. Last evaluated 2026-02-03.

Conditions:
Noonan syndrome and Noonan-related syndrome. Identifiers: Orphanet 98733, MedGen C5681679, MONDO:0020297.
CBL-related disorder. Also called: NOONAN SYNDROME-LIKE DISORDER WITHOUT JUVENILE MYELOMONOCYTIC LEUKEMIA; CBL MUTATION-ASSOCIATED SYNDROME; CBL SYNDROME. Identifiers: Orphanet 363972, MedGen C3150803, MONDO:0013308, OMIM 613563.
Cardiovascular phenotype. Identifiers: MedGen CN230736.
RASopathy. Also called: rasopathies; Noonan spectrum disorder. Identifiers: Orphanet 536391, MedGen C5555857, MONDO:0021060.
Juvenile myelomonocytic leukemia (JMML). Also called: LEUKEMIA, JUVENILE MYELOMONOCYTIC, SOMATIC. Identifiers: Orphanet 86834, MedGen C0349639, MONDO:0011908, OMIM 607785, HP:0012209.

Allele frequency attached by ClinVar (database versions not stated): gnomAD exomes 0.00185 and 0.00503; gnomAD 0.01907 and 0.02038; TOPMed 0.02170; 1000 Genomes Project 0.02416; 1000 Genomes Project 30x 0.02498; ESP Exome Variant Server 0.02364; ExAC 0.00624.
gnomAD v4.1: 5,752 of 1,613,604 alleles (0.36%); highest among the groups gnomAD compares: African/African-American, 6.7%; 191 homozygotes.

Submissions (19):

Labcorp Genetics (formerly Invitae), Labcorp
Classification: Benign for RASopathy. Last evaluated: 2026-02-03. Review status: criteria provided, single submitter. Criteria: Invitae Variant Classification Sherloc (09022015). Collection method: clinical testing. Allele origin: germline.

ARUP Laboratories, Molecular Genetics and Genomics, ARUP Laboratories
Classification: Benign. Last evaluated: 2025-05-21. Review status: criteria provided, single submitter. Criteria: ARUP Molecular Germline Variant Investigation Process 2024. Collection method: clinical testing. Allele origin: germline.

KCCC/NGS Laboratory, Kuwait Cancer Control Center
Classification: Benign for Juvenile myelomonocytic leukemia. Last evaluated: 2023-07-07. Review status: criteria provided, single submitter. Criteria: ACMG Guidelines, 2015. Collection method: clinical testing. Allele origin: germline. Affected: yes.

Genome Diagnostics Laboratory, The Hospital for Sick Children
Classification: Benign for Noonan syndrome and Noonan-related syndrome. Last evaluated: 2021-06-21. Review status: criteria provided, single submitter. Criteria: ACMG Guidelines, 2015. Collection method: clinical testing. Allele origin: germline.

Women's Health and Genetics/Laboratory Corporation of America, LabCorp
Classification: Benign. Last evaluated: 2019-09-09. Review status: criteria provided, single submitter. Criteria: LabCorp Variant Classification Summary - May 2015. Collection method: clinical testing. Allele origin: germline.
Comment: Variant summary: CBL c.869+4A>G alters a conserved nucleotide located close to a canonical splice site and therefore could affect mRNA splicing, leading to a significantly altered protein sequence. 4/4 computational tools predict no significant impact on normal splicing. However, these predictions have yet to be confirmed by functional studies. The variant allele was found at a frequency of 0.005 in 251474 control chromosomes, predominantly at a frequency of 0.07 within the African or African-American subpopulation in the gnomAD database, including 40 homozygotes. The observed variant frequency within African or African-American control individuals in the gnomAD database is approximately 28000 fold of the estimated maximal expected allele frequency for a pathogenic variant in CBL causing Noonan Syndrome and Related Conditions phenotype (2.5e-06), strongly suggesting that the variant is a benign polymorphism found primarily in populations of African or African-American origin. To our knowledge, no occurrence of c.869+4A>G in individuals affected with Noonan Syndrome and Related Conditions and no experimental evidence demonstrating its impact on protein function have been reported. Three ClinVar submissions (evaluation after 2014) cites the variant as benign. Based on the evidence outlined above, the variant was classified as benign.

Ambry Genetics
Classification: Benign for Cardiovascular phenotype. Last evaluated: 2019-08-22. Review status: criteria provided, single submitter. Criteria: Ambry Variant Classification Scheme 2023. Collection method: clinical testing. Allele origin: germline.

Illumina Laboratory Services, Illumina
Classification: Benign for CBL-related disorder. Last evaluated: 2018-01-13. Review status: criteria provided, single submitter. Criteria: ICSL Variant Classification Criteria 13 December 2019. Collection method: clinical testing. Allele origin: germline.
Comment: This variant was observed in the ICSL laboratory as part of a predisposition screen in an ostensibly healthy population. It had not been previously curated by ICSL or reported in the Human Gene Mutation Database (HGMD: prior to June 1st, 2018), and was therefore a candidate for classification through an automated scoring system. Utilizing variant allele frequency, disease prevalence and penetrance estimates, and inheritance mode, an automated score was calculated to assess if this variant is too frequent to cause the disease. Based on the score and internal cut-off values, a variant classified as benign is not then subjected to further curation. The score for this variant resulted in a classification of benign for this disease.

Mayo Clinic Laboratories, Mayo Clinic
Classification: Benign. Last evaluated: 2016-02-09. Review status: criteria provided, single submitter. Criteria: ACMG Guidelines, 2015. Collection method: clinical testing. Allele origin: germline. Observed: 17 variant alleles.

Center for Pediatric Genomic Medicine, Children's Mercy Hospital and Clinics
Classification: Benign. Last evaluated: 2015-05-14. Review status: criteria provided, single submitter. Criteria: ACMG Guidelines, 2015. Collection method: clinical testing. Allele origin: germline.

GeneDx
Classification: Benign for Rasopathy. Last evaluated: 2012-05-04. Review status: criteria provided, single submitter. Criteria: GeneDx Variant Classification (06012015). Collection method: clinical testing. Allele origin: germline. Affected: yes.
Comment: The variant is found in NOONAN panel(s).

Laboratory for Molecular Medicine, Mass General Brigham Personalized Medicine
Classification: Benign. Last evaluated: 2012-03-19. Review status: criteria provided, single submitter. Criteria: LMM Criteria. Collection method: clinical testing. Allele origin: germline. Observed: 19 variant alleles.
Comment: c.869+4A>G in Intron 05 of CBL: This variant is not expected to have clinical si gnificance because it has been identified in 6.8% (255/3736) of African American chromosomes from a broad population by the NHLBI Exome Sequencing Project (dbSNP rs77284821).

Breakthrough Genomics
Classification: Benign. Review status: criteria provided, single submitter. Criteria: ACMG Guidelines, 2015. Collection method: not provided. Allele origin: germline. Inheritance: Autosomal dominant inheritance. Affected: yes.

PreventionGenetics, part of Exact Sciences
Classification: Benign. Review status: criteria provided, single submitter. Criteria: ACMG Guidelines, 2015. Collection method: clinical testing. Allele origin: germline.

Dr. Peter K. Rogan Lab, Western University
No classification provided (evidence only). Condition: Clear cell carcinoma of kidney. Review status: no classification provided. Collection method: in vitro. Allele origin: not applicable. Functional consequence: retained intron. Not counted in ClinVar's aggregate classification.

Dr. Peter K. Rogan Lab, Western University
No classification provided (evidence only). Condition: Lung cancer. Review status: no classification provided. Collection method: in vitro. Allele origin: not applicable. Functional consequence: retained intron. Not counted in ClinVar's aggregate classification.

Dr. Peter K. Rogan Lab, Western University
No classification provided (evidence only). Condition: Acute myeloid leukemia. Review status: no classification provided. Collection method: in vitro. Allele origin: not applicable. Functional consequence: retained intron. Not counted in ClinVar's aggregate classification.

Dr. Peter K. Rogan Lab, Western University
No classification provided (evidence only). Condition: Uterine corpus endometrial carcinoma. Review status: no classification provided. Collection method: in vitro. Allele origin: not applicable. Functional consequence: retained intron. Not counted in ClinVar's aggregate classification.

Genome Diagnostics Laboratory, Amsterdam University Medical Center
Classification: Benign. Review status: no assertion criteria provided. Collection method: clinical testing. Allele origin: germline. Affected: yes. Study: VKGL Data-share Consensus. Not counted in ClinVar's aggregate classification.

Joint Genome Diagnostic Labs from Nijmegen and Maastricht, Radboudumc and MUMC+
Classification: Benign. Review status: no assertion criteria provided. Collection method: clinical testing. Allele origin: germline. Affected: yes. Study: VKGL Data-share Consensus. Not counted in ClinVar's aggregate classification.

Literature cited by the submitters: PubMed 20951944 (cited by Women's Health and Genetics/Laboratory Corporation of America, LabCorp); PubMed 19620960 (cited by Women's Health and Genetics/Laboratory Corporation of America, LabCorp); PubMed 29296819 (cited by Women's Health and Genetics/Laboratory Corporation of America, LabCorp); PubMed 27069254 (cited by Women's Health and Genetics/Laboratory Corporation of America, LabCorp).